The following is an entry in ClinVar:

NM_001267550.2(TTN):c.59927-16CTT[2]

Genes: TTN (titin; minus strand), TTN-AS1 (TTN antisense RNA 1; plus strand), LOC126806424 (CDK7 strongly-dependent group 2 enhancer GRCh37_chr2:179456337-179457536; plus strand). Cytogenetic location: 2q31.2.
Variant type: Microsatellite.
Coding change: c.59927-16CTT[2] on transcript NM_001267550.2 (MANE Select); two copies in a row of the 3-base unit CTT starting at c.59927-16; the reference has three copies in a row; one copy, 3 bases deleted.
Molecular consequence: intron variant.
Genome position (GRCh38, 1-based): chr2:178,591,900-178,591,902, AAG deleted on the plus strand (CTT on the coding strand, the reverse complement: TTN is on the minus strand); deleting any 3 consecutive bases within chr2:178,591,900-178,591,908 gives the same sequence; the position shown is the placement nearest the transcript's 3' end. VCF-style (leftmost placement, unchanged base first): chr2-178591899-AAAG-A. GRCh37 (hg19) VCF-style: chr2-179456626-AAAG-A.
Other names: c.55004-10_55004-8delCTT (NM_001256850.1); c.32732-16CTT[2] (NM_003319.4); c.33308-16CTT[2] (NM_133437.4); c.33107-16CTT[2] (NM_133432.3); c.52223-16CTT[2] (NM_133378.4); c.55004-16CTT[2] (NM_001256850.1); c.59927-10_59927-8delCTT (NM_001267550.2).
Identifiers: ClinVar variation 509608 (VCV000509608.9), dbSNP rs1338225091, ClinGen allele CA538435579.

ClinVar aggregate classification (germline): Likely benign. Review status: criteria provided, multiple submitters, no conflicts (2 of 4 stars). 2 submissions from 2 submitters: Likely benign (2). Last evaluated 2025-04-27.

Conditions:
Dilated cardiomyopathy 1G (CMD1G). Identifiers: Orphanet 154, MedGen C1858763, MONDO:0011400, OMIM 604145.
Autosomal recessive limb-girdle muscular dystrophy type 2J (LGMDR10). Also called: Limb-girdle muscular dystrophy, type 2J; MUSCULAR DYSTROPHY, LIMB-GIRDLE, AUTOSOMAL RECESSIVE 10. Identifiers: Orphanet 140922, MedGen C1837342, MONDO:0012127, OMIM 608807.

Submissions (2):

Labcorp Genetics (formerly Invitae), Labcorp
Classification: Likely benign for Dilated cardiomyopathy 1G; Autosomal recessive limb-girdle muscular dystrophy type 2J. Last evaluated: 2025-04-27. Review status: criteria provided, single submitter. Criteria: Invitae Variant Classification Sherloc (09022015). Collection method: clinical testing. Allele origin: germline.

GeneDx
Classification: Likely benign. Last evaluated: 2017-05-16. Review status: criteria provided, single submitter. Criteria: GeneDx Variant Classification (06012015). Collection method: clinical testing. Allele origin: germline. Affected: yes.
Comment: This variant is considered likely benign or benign based on one or more of the following criteria: it is a conservative change, it occurs at a poorly conserved position in the protein, it is predicted to be benign by multiple in silico algorithms, and/or has population frequency not consistent with disease.